The following is an entry in ClinVar:

ClinVar aggregate classification (germline): Uncertain significance (1 of 4 stars; one submission).

Conditions:
Hereditary cancer-predisposing syndrome. Also called: Hereditary Cancer Syndrome; Hereditary neoplastic syndrome; Neoplastic Syndromes, Hereditary; Tumor predisposition. Identifiers: Orphanet 140162, MedGen C0027672, MeSH D009386, MONDO:0015356.

Submission:

Ambry Genetics
Classification: Uncertain significance for Hereditary cancer-predisposing syndrome. Last evaluated: 2025-08-01. Review status: criteria provided, single submitter. Criteria: Ambry Variant Classification Scheme 2023. Collection method: clinical testing. Allele origin: germline.
Comment: The p.D759H variant (also known as c.2275G>C), located in coding exon 14 of the DICER1 gene, results from a G to C substitution at nucleotide position 2275. The aspartic acid at codon 759 is replaced by histidine, an amino acid with similar properties. This amino acid position is conserved. In addition, this alteration is predicted to be tolerated by in silico analysis. Based on the available evidence, the clinical significance of this variant remains unclear.

NM_177438.3(DICER1):c.2275G>C (p.Asp759His)

Gene: DICER1 (dicer 1, ribonuclease III; minus strand). Cytogenetic location: 14q32.13.
Variant type: single nucleotide variant.
Coding change: c.2275G>C on transcript NM_177438.3 (MANE Select); coding-DNA position 2275, G replaced by C.
Protein change: p.Asp759His; replaces aspartic acid 759 with histidine.
Molecular consequence: missense variant. On other transcripts: non-coding transcript variant (6).
Genome position (GRCh38, 1-based): chr14:95,108,485, C>G on the plus strand (G>C on the coding strand, the complement: DICER1 is on the minus strand). VCF-style: chr14-95108485-C-G. GRCh37 (hg19) VCF-style: chr14-95574822-C-G.
Other names: c.2275G>C, p.Asp759His (NM_001195573.1, NM_001271282.3, NM_001291628.2 and 12 more transcripts); c.1993G>C, p.Asp665His (NM_001395686.1); c.1870G>C, p.Asp624His (NM_001395687.1, NM_001395688.1, NM_001395689.1 and 2 more transcripts); c.1708G>C, p.Asp570His (NM_001395691.1); c.592G>C, p.Asp198His (NM_001395697.1); short protein forms D570H, D624H, D759H, D198H, D665H.
Identifiers: ClinVar variation 4240513 (VCV004240513.1).